The following is an entry in ClinVar:

ClinVar aggregate classification (germline): Pathogenic. Review status: criteria provided, multiple submitters, no conflicts (2 of 4 stars). 2 submissions from 2 submitters: Pathogenic (2). Last evaluated 2023-12-31.

Conditions:
Dyskeratosis congenita, autosomal recessive 5 (DKCB5). Identifiers: MedGen C3554656, MONDO:0014076, OMIM 615190.
Pulmonary fibrosis and/or bone marrow failure, Telomere-related, 3. Also called: PULMONARY FIBROSIS AND/OR BONE MARROW FAILURE SYNDROME, TELOMERE-RELATED, 3. Identifiers: Orphanet 2032, MedGen C4225346, MONDO:0014613, OMIM 616373.

Submissions (2):

Labcorp Genetics (formerly Invitae), Labcorp
Classification: Pathogenic for Dyskeratosis congenita, autosomal recessive 5; Pulmonary fibrosis and/or bone marrow failure, Telomere-related, 3. Last evaluated: 2023-12-31. Review status: criteria provided, single submitter. Criteria: Invitae Variant Classification Sherloc (09022015). Collection method: clinical testing. Allele origin: germline.
Comment: This sequence change creates a premature translational stop signal (p.Gln852*) in the RTEL1 gene. It is expected to result in an absent or disrupted protein product. Loss-of-function variants in RTEL1 are known to be pathogenic (PMID: 23453664, 23959892, 25607374). This variant is not present in population databases (gnomAD no frequency). This variant has not been reported in the literature in individuals affected with RTEL1-related conditions. ClinVar contains an entry for this variant (Variation ID: 1076689). Algorithms developed to predict the effect of sequence changes on RNA splicing suggest that this variant may disrupt the consensus splice site. For these reasons, this variant has been classified as Pathogenic.

Baylor Genetics
Classification: Pathogenic for Dyskeratosis congenita, autosomal recessive 5. Last evaluated: 2023-08-08. Review status: criteria provided, single submitter. Criteria: ACMG Guidelines, 2015. Collection method: clinical testing. Allele origin: unknown.

Literature cited by the submitters: PubMed 23453664 (cited by Labcorp Genetics (formerly Invitae), Labcorp); PubMed 23959892 (cited by Labcorp Genetics (formerly Invitae), Labcorp); PubMed 25607374 (cited by Labcorp Genetics (formerly Invitae), Labcorp).

NM_001283009.2(RTEL1):c.2554C>T (p.Gln852Ter)

Genes: RTEL1 (regulator of telomere elongation helicase 1; plus strand), RTEL1-TNFRSF6B (RTEL1-TNFRSF6B readthrough (NMD candidate); plus strand). Cytogenetic location: 20q13.33.
Variant type: single nucleotide variant.
Coding change: c.2554C>T on transcript NM_001283009.2 (MANE Select); coding-DNA position 2554, C replaced by T.
Protein change: p.Gln852Ter; replaces glutamine 852 with a stop codon.
Molecular consequence: nonsense. On other transcripts: non-coding transcript variant (1).
Genome position (GRCh38, 1-based): chr20:63,690,945, C>T. VCF-style: chr20-63690945-C-T. GRCh37 (hg19) VCF-style: chr20-62322298-C-T.
Other names: c.1885C>T, p.Gln629Ter (NM_001283010.1); c.2554C>T, p.Gln852Ter (NM_016434.4); c.2626C>T, p.Gln876Ter (NM_032957.5); short protein forms Q629*, Q852*, Q876*.
Identifiers: ClinVar variation 1076689 (VCV001076689.8), dbSNP rs2145434954, ClinGen allele CA409681860.